The following is an entry in ClinVar:

ClinVar aggregate classification (germline): Uncertain significance (1 of 4 stars; one submission).

gnomAD v4.1: 4 of 1,613,854 alleles (0.00025%); highest among the groups gnomAD compares: African/African-American, 0.0053%; no homozygotes.

Submission:

Labcorp Genetics (formerly Invitae), Labcorp
Classification: Uncertain significance. Last evaluated: 2024-11-05. Review status: criteria provided, single submitter. Criteria: Invitae Variant Classification Sherloc (09022015). Collection method: clinical testing. Allele origin: germline.
Comment: This sequence change affects codon 483 of the CDH23 mRNA. It is a 'silent' change, meaning that it does not change the encoded amino acid sequence of the CDH23 protein. This variant also falls at the last nucleotide of exon 14, which is part of the consensus splice site for this exon. This variant is present in population databases (rs368830397, gnomAD 0.007%). This variant has not been reported in the literature in individuals affected with CDH23-related conditions. Variants that disrupt the consensus splice site are a relatively common cause of aberrant splicing (PMID: 17576681, 9536098). Algorithms developed to predict the effect of sequence changes on RNA splicing suggest that this variant is not likely to affect RNA splicing. In summary, the available evidence is currently insufficient to determine the role of this variant in disease. Therefore, it has been classified as a Variant of Uncertain Significance.

Literature cited by the submitters: PubMed 17576681; PubMed 9536098.

NM_022124.6(CDH23):c.1449G>A (p.Leu483=)

Gene: CDH23 (cadherin related 23; plus strand). Cytogenetic location: 10q22.1.
Variant type: single nucleotide variant.
Coding change: c.1449G>A on transcript NM_022124.6 (MANE Select); coding-DNA position 1449, G replaced by A.
Protein change: p.Leu483=; no amino-acid change (leucine 483 retained).
Molecular consequence: synonymous variant.
Genome position (GRCh38, 1-based): chr10:71,646,617, G>A. VCF-style: chr10-71646617-G-A. GRCh37 (hg19) VCF-style: chr10-73406374-G-A.
Other names: c.1449G>A, p.Leu483= (NM_001171930.2, NM_001171931.2, NM_052836.4).
Identifiers: ClinVar variation 3618373 (VCV003618373.1).